The following is an entry in ClinVar:

NM_000918.4(P4HB):c.1306A>G (p.Lys436Glu)

Gene: P4HB (prolyl 4-hydroxylase subunit beta; minus strand). Cytogenetic location: 17q25.3.
Variant type: single nucleotide variant.
Coding change: c.1306A>G on transcript NM_000918.4 (MANE Select); coding-DNA position 1306, A replaced by G.
Protein change: p.Lys436Glu; replaces lysine 436 with glutamic acid.
Molecular consequence: missense variant.
Genome position (GRCh38, 1-based): chr17:81,845,614, T>C on the plus strand (A>G on the coding strand, the complement: P4HB is on the minus strand). VCF-style: chr17-81845614-T-C. GRCh37 (hg19) VCF-style: chr17-79803490-T-C.
Other names: short protein forms K436E.
Identifiers: ClinVar variation 1415619 (VCV001415619.8), dbSNP rs748316200, ClinGen allele CA8842655.

ClinVar aggregate classification (germline): Uncertain significance (1 of 4 stars; one submission).

Allele frequency attached by ClinVar (database versions not stated): gnomAD exomes below 0.00001; ExAC 0.00001; gnomAD 0.00001.

Submission:

Labcorp Genetics (formerly Invitae), Labcorp
Classification: Uncertain significance. Last evaluated: 2021-03-22. Review status: criteria provided, single submitter. Criteria: Invitae Variant Classification Sherloc (09022015). Collection method: clinical testing. Allele origin: germline.
Comment: In summary, the available evidence is currently insufficient to determine the role of this variant in disease. Therefore, it has been classified as a Variant of Uncertain Significance. Algorithms developed to predict the effect of missense changes on protein structure and function (SIFT, PolyPhen-2, Align-GVGD) all suggest that this variant is likely to be tolerated, but these predictions have not been confirmed by published functional studies and their clinical significance is uncertain. This variant has not been reported in the literature in individuals with P4HB-related conditions. This variant is present in population databases (rs748316200, ExAC 0.01%). This sequence change replaces lysine with glutamic acid at codon 436 of the P4HB protein (p.Lys436Glu). The lysine residue is highly conserved and there is a small physicochemical difference between lysine and glutamic acid.